The following is an entry in ClinVar:

NM_001286445.3(RIPOR2):c.2803G>A (p.Glu935Lys)

Gene: RIPOR2 (RHO family interacting cell polarization regulator 2; minus strand). Cytogenetic location: 6p22.3.
Variant type: single nucleotide variant.
Coding change: c.2803G>A on transcript NM_001286445.3 (MANE Select); coding-DNA position 2803, G replaced by A.
Protein change: p.Glu935Lys; replaces glutamic acid 935 with lysine.
Molecular consequence: missense variant.
Genome position (GRCh38, 1-based): chr6:24,825,291, C>T on the plus strand (G>A on the coding strand, the complement: RIPOR2 is on the minus strand). VCF-style: chr6-24825291-C-T. GRCh37 (hg19) VCF-style: chr6-24825519-C-T.
Other names: c.2716G>A, p.Glu906Lys (NM_001346031.2, NM_001346032.2); c.2866G>A, p.Glu956Lys (NM_014722.5); short protein forms E935K, E956K, E906K.
Identifiers: ClinVar variation 4795477 (VCV004795477.1).

ClinVar aggregate classification (germline): Uncertain significance (1 of 4 stars; one submission).

gnomAD v4.1: 9 of 1,551,602 alleles (0.00058%); highest among the groups gnomAD compares: African/African-American, 0.0014%; no homozygotes.

Submission:

GeneDx
Classification: Uncertain significance. Last evaluated: 2025-02-04. Review status: criteria provided, single submitter. Criteria: GeneDx Variant Classification Process June 2021. Collection method: clinical testing. Allele origin: germline. Affected: yes.
Comment: Not observed at significant frequency in large population cohorts (gnomAD); In silico analysis indicates that this missense variant does not alter protein structure/function; Has not been previously published as pathogenic or benign to our knowledge